The following is an entry in ClinVar:

ClinVar aggregate classification (germline): Benign. Review status: criteria provided, multiple submitters, no conflicts (2 of 4 stars). 3 submissions from 3 submitters: Benign (2). 1 of the submissions does not count toward it. Last evaluated 2026-02-02.

Conditions:
FZD5-related disorder. Also called: FZD5-related condition.

Allele frequency attached by ClinVar (database versions not stated): ESP Exome Variant Server 0.99149; TOPMed 0.99198; gnomAD 0.99245 and 0.99290; 1000 Genomes Project 30x 0.99126; ExAC 0.99768; gnomAD exomes 0.99930 and 0.99821; 1000 Genomes Project 0.99141.

Submissions (3):

Labcorp Genetics (formerly Invitae), Labcorp
Classification: Benign. Last evaluated: 2026-02-02. Review status: criteria provided, single submitter. Criteria: Invitae Variant Classification Sherloc (09022015). Collection method: clinical testing. Allele origin: germline.

Breakthrough Genomics
Classification: Benign. Review status: criteria provided, single submitter. Criteria: ACMG Guidelines, 2015. Collection method: not provided. Allele origin: germline. Inheritance: Unknown mechanism. Affected: yes.

PreventionGenetics, part of Exact Sciences
Classification: Benign for FZD5-related condition. Last evaluated: 2019-06-28. Review status: no assertion criteria provided. Collection method: clinical testing. Allele origin: germline. Not counted in ClinVar's aggregate classification.
Comment: This variant is classified as benign based on ACMG/AMP sequence variant interpretation guidelines (Richards et al. 2015 PMID: 25741868, with internal and published modifications).

NM_003468.4(FZD5):c.51A>G (p.Leu17=)

Genes: FZD5 (frizzled class receptor 5; minus strand), LOC129935507 (ATAC-STARR-seq lymphoblastoid silent region 12285; plus strand). Cytogenetic location: 2q33.3.
Variant type: single nucleotide variant.
Coding change: c.51A>G on transcript NM_003468.4 (MANE Select); coding-DNA position 51, A replaced by G.
Protein change: p.Leu17=; no amino-acid change (leucine 17 retained).
Molecular consequence: synonymous variant.
Genome position (GRCh38, 1-based): chr2:207,768,689, T>C on the plus strand (A>G on the coding strand, the complement: FZD5 is on the minus strand). VCF-style: chr2-207768689-T-C. GRCh37 (hg19) VCF-style: chr2-208633413-T-C.
Other names: c.51A>G (NM_003468.3).
Identifiers: ClinVar variation 1541758 (VCV001541758.11), dbSNP rs4675711, ClinGen allele CA2077093.